The following is an entry in ClinVar:

ClinVar aggregate classification (germline): other (0 of 4 stars; one submission).

Conditions:
Familial colorectal cancer. Identifiers: MedGen CN280943, MONDO:0023113. Disease mechanism: loss of function.

Submission:

Systems Biology Platform Zhejiang California International NanoSystems Institute
Classification: other for Familial colorectal cancer. Review status: no assertion criteria provided. Collection method: not provided. Allele origin: unknown.
ClinVar note: Converted during submission from cancer to other.

NM_000038.6(APC):c.1958+861T>C

Gene: APC (APC regulator of WNT signaling pathway; plus strand). Cytogenetic location: 5q22.2.
Variant type: single nucleotide variant.
Coding change: c.1958+861T>C on transcript NM_000038.6 (MANE Select); 861 bases into the intron after coding-DNA position 1958, T replaced by C.
Molecular consequence: intron variant.
Genome position (GRCh38, 1-based): chr5:112,836,026, T>C. VCF-style: chr5-112836026-T-C. GRCh37 (hg19) VCF-style: chr5-112171723-T-C.
Other names: c.1958+861T>C (NM_001354895.2, NM_001127510.3); c.1988+861T>C (NM_001354897.2); c.1685+861T>C (NM_001354902.2); c.1904+861T>C (NM_001127511.3); c.1883+861T>C (NM_001354898.2); c.1580+861T>C (NM_001354904.2); c.1109+861T>C (NM_001354906.2); c.2012+861T>C (NM_001354896.2); and 5 more.
Identifiers: ClinVar variation 83224 (VCV000083224.2), dbSNP rs77626458, ClinGen allele CA006760.
Genomic context (GRCh38, chr5:112,836,026, plus strand): 5'-TCAGAACTCGGATGCTGTATTATATCAACAAAAATACAACTGTCTTTTTTTTTTTTTTTT[T>C]TTTTTTTTTCTTGAGATGGAGTCTTGCACTCTTGCCCGGGCTGGAGTACAGTGGCACAAT-3'